The following is an entry in ClinVar:

ClinVar aggregate classification (germline): Pathogenic (1 of 4 stars; one submission).

Conditions:
Hereditary breast ovarian cancer syndrome. Also called: BRCA1- and BRCA2-Associated Hereditary Breast and Ovarian Cancer; Breast and ovarian cancer; Hereditary breast and ovarian cancer syndrome; Hereditary breast and ovarian cancer syndrome (HBOC); Hereditary breast and/or ovarian cancer syndrome; Hereditary breast and ovarian cancer. Identifiers: Orphanet 145, MedGen C0677776, MeSH D061325, MONDO:0003582. Disease mechanism: loss of function.

Submission:

Labcorp Genetics (formerly Invitae), Labcorp
Classification: Pathogenic for Hereditary breast ovarian cancer syndrome. Last evaluated: 2025-02-15. Review status: criteria provided, single submitter. Criteria: Invitae Variant Classification Sherloc (09022015). Collection method: clinical testing. Allele origin: germline.
Comment: This sequence change creates a premature translational stop signal (p.Tyr1113*) in the BRCA1 gene. It is expected to result in an absent or disrupted protein product. Loss-of-function variants in BRCA1 are known to be pathogenic (PMID: 20104584). This variant is not present in population databases (gnomAD no frequency). This premature translational stop signal has been observed in individual(s) with breast cancer (PMID: 12601471). For these reasons, this variant has been classified as Pathogenic.

Literature cited by the submitters: PubMed 20104584; PubMed 12601471.

NM_007294.4(BRCA1):c.3338_3339del (p.Glu1112_Tyr1113insTer)

Genes: BRCA1 (BRCA1 DNA repair associated; minus strand), LOC126862571 (BRD4-independent group 4 enhancer GRCh37_chr17:41243136-41244335; plus strand). Cytogenetic location: 17q21.31.
Variant type: Microsatellite.
Coding change: c.3338_3339del on transcript NM_007294.4 (MANE Select); coding-DNA positions 3338 to 3339, 2 bases deleted (AT; older notation c.3338_3339delAT).
Protein change: p.Glu1112_Tyr1113insTer.
Molecular consequence: nonsense. On other transcripts: intron variant (137).
Genome position (GRCh38, 1-based): chr17:43,092,192-43,092,193, AT deleted on the plus strand (AT on the coding strand, the reverse complement: BRCA1 is on the minus strand); deleting any 2 consecutive bases within chr17:43,092,192-43,092,195 gives the same sequence; the c. name uses the placement nearest the transcript's 3' end. VCF-style (leftmost placement, unchanged base first): chr17-43092191-CAT-C. GRCh37 (hg19) VCF-style: chr17-41244208-CAT-C.
Other names: c.3005_3006del, p.Glu1001_Tyr1002insTer (NM_001407947.1, NM_001407948.1, NM_001407949.1 and 6 more transcripts); c.3002_3003del, p.Glu1000_Tyr1001insTer (NM_001407955.1, NM_001407954.1, NM_001407956.1 and 1 more transcripts); c.3125_3126del, p.Glu1041_Tyr1042insTer (NM_001407896.1, NM_001407897.1, NM_001407898.1 and 9 more transcripts); c.3128_3129del, p.Glu1042_Tyr1043insTer (NM_001407900.1, NM_001407902.1, NM_001407904.1 and 13 more transcripts); c.3215_3216del, p.Glu1071_Tyr1072insTer (NM_001407919.1, NM_001407937.1, NM_001407938.1 and 19 more transcripts); c.3074_3075del, p.Glu1024_Tyr1025insTer (NM_001407920.1, NM_001407921.1, NM_001407922.1 and 9 more transcripts); c.3071_3072del, p.Glu1023_Tyr1024insTer (NM_001407930.1, NM_001407931.1, NM_001407932.1 and 2 more transcripts); c.3212_3213del, p.Glu1070_Tyr1071insTer (NM_001407940.1, NM_001407941.1, NM_001407649.1 and 11 more transcripts); and 41 more.
Identifiers: ClinVar variation 4713084 (VCV004713084.1).